The following is an entry in ClinVar:

NM_033118.4(MYLK2):c.1224+8A>C

Gene: MYLK2 (myosin light chain kinase 2; plus strand). Cytogenetic location: 20q11.21.
Variant type: single nucleotide variant.
Coding change: c.1224+8A>C on transcript NM_033118.4 (MANE Select); 8 bases into the intron after coding-DNA position 1224, A replaced by C.
Molecular consequence: intron variant.
Genome position (GRCh38, 1-based): chr20:31,826,946, A>C. VCF-style: chr20-31826946-A-C. GRCh37 (hg19) VCF-style: chr20-30414749-A-C.
Identifiers: ClinVar variation 164507 (VCV000164507.16), dbSNP rs375144075, ClinGen allele CA177208.

ClinVar aggregate classification (germline): Benign/Likely benign. Review status: criteria provided, multiple submitters, no conflicts (2 of 4 stars). 5 submissions from 5 submitters: Benign (2); Likely benign (3). Last evaluated 2025-12-02.

Conditions:
Cardiomyopathy (CMYO). Also called: Cardiomyopathies. Identifiers: Orphanet 167848, MedGen C0878544, MONDO:0004994, HP:0001638. Inheritance: Various modes of inheritance.
Hypertrophic cardiomyopathy 1 (CMH1). Also called: MYH7-Related Familial Hypertrophic Cardiomyopathy; Familial hypertrophic cardiomyopathy 1. Identifiers: MedGen C3495498, MONDO:0008647, OMIM 192600.

Allele frequency attached by ClinVar (database versions not stated): TOPMed 0.00005; gnomAD 0.00006 and 0.00015; ESP Exome Variant Server 0.00015; gnomAD exomes 0.00055; ExAC 0.00070; 1000 Genomes Project 0.00120; 1000 Genomes Project 30x 0.00125.
gnomAD v4.1: 418 of 1,614,012 alleles (0.026%); highest among the groups gnomAD compares: South Asian, 0.38%; 7 homozygotes.

Submissions (5):

Labcorp Genetics (formerly Invitae), Labcorp
Classification: Benign for Hypertrophic cardiomyopathy 1. Last evaluated: 2025-12-02. Review status: criteria provided, single submitter. Criteria: Invitae Variant Classification Sherloc (09022015). Collection method: clinical testing. Allele origin: germline.

Laboratory of Genetics, Children's Clinical University Hospital Latvia
Classification: Likely benign. Last evaluated: 2025-02-16. Review status: criteria provided, single submitter. Criteria: ACMG Guidelines, 2015. Collection method: clinical testing. Allele origin: germline. Affected: yes.

GeneDx
Classification: Likely benign. Last evaluated: 2018-05-22. Review status: criteria provided, single submitter. Criteria: GeneDx Variant Classification (06012015). Collection method: clinical testing. Allele origin: germline. Affected: yes.
Comment: This variant is considered likely benign or benign based on one or more of the following criteria: it is a conservative change, it occurs at a poorly conserved position in the protein, it is predicted to be benign by multiple in silico algorithms, and/or has population frequency not consistent with disease.

CHEO Genetics Diagnostic Laboratory, Children's Hospital of Eastern Ontario
Classification: Benign for Cardiomyopathy. Last evaluated: 2017-11-22. Review status: criteria provided, single submitter. Criteria: ACMG Guidelines, 2015. Collection method: clinical testing. Allele origin: germline.

Laboratory for Molecular Medicine, Mass General Brigham Personalized Medicine
Classification: Likely benign. Last evaluated: 2012-03-19. Review status: criteria provided, single submitter. Criteria: LMM Criteria. Collection method: clinical testing. Allele origin: germline. Observed: 1 variant allele.
Comment: 1224+8A>C in intron 8 of MYLK2: This variant is not expected to have clinical si gnificance because it is not located within the splice consensus sequence. It ha s been identified in 1/3738 African American chromosomes from a broad population by the NHLBI Exome Sequencing Project.